The following is an entry in ClinVar:

ClinVar aggregate classification (germline): Likely benign. Review status: criteria provided, multiple submitters, no conflicts (2 of 4 stars). 2 submissions from 2 submitters: Likely benign (2). Last evaluated 2024-06-28.

Conditions:
Peutz-Jeghers syndrome (PJS). Also called: POLYPOSIS, HAMARTOMATOUS INTESTINAL; POLYPS-AND-SPOTS SYNDROME; Peutz-Jeghers polyposis; Periorificial lentiginosis syndrome. Identifiers: Orphanet 2869, MedGen C0031269, MeSH D010580, MONDO:0008280, OMIM 175200.

Submissions (2):

Labcorp Genetics (formerly Invitae), Labcorp
Classification: Likely benign for Peutz-Jeghers syndrome. Last evaluated: 2024-06-28. Review status: criteria provided, single submitter. Criteria: Invitae Variant Classification Sherloc (09022015). Collection method: clinical testing. Allele origin: germline.

GeneDx
Classification: Likely benign. Last evaluated: 2016-08-22. Review status: criteria provided, single submitter. Criteria: GeneDx Variant Classification (06012015). Collection method: clinical testing. Allele origin: germline. Affected: yes.
Comment: This variant is considered likely benign or benign based on one or more of the following criteria: it is a conservative change, it occurs at a poorly conserved position in the protein, it is predicted to be benign by multiple in silico algorithms, and/or has population frequency not consistent with disease.

NM_000455.5(STK11):c.1109-13G>T

Gene: STK11 (serine/threonine kinase 11; plus strand). Cytogenetic location: 19p13.3.
Variant type: single nucleotide variant.
Coding change: c.1109-13G>T on transcript NM_000455.5 (MANE Select); 13 bases into the intron before coding-DNA position 1109, G replaced by T.
Molecular consequence: intron variant.
Genome position (GRCh38, 1-based): chr19:1,226,441, G>T. VCF-style: chr19-1226441-G-T. GRCh37 (hg19) VCF-style: chr19-1226440-G-T.
Identifiers: ClinVar variation 388813 (VCV000388813.5), dbSNP rs568152768, ClinGen allele CA16608093.